The following is an entry in ClinVar:

ClinVar aggregate classification (germline): Uncertain significance. Review status: criteria provided, multiple submitters, no conflicts (2 of 4 stars). 2 submissions from 2 submitters: Uncertain significance (2). Last evaluated 2022-03-15.

Conditions:
Inborn genetic diseases. Identifiers: MedGen C0950123, MeSH D030342.

Allele frequency attached by ClinVar (database versions not stated): TOPMed below 0.00001; ExAC 0.00003.

Submissions (2):

GeneDx
Classification: Uncertain significance. Last evaluated: 2022-03-15. Review status: criteria provided, single submitter. Criteria: GeneDx Variant Classification Process June 2021. Collection method: clinical testing. Allele origin: germline. Affected: yes.
Comment: In silico analysis supports that this missense variant has a deleterious effect on protein structure/function; Has not been previously published as pathogenic or benign to our knowledge; Variants in candidate genes are classified as variants of uncertain significance in accordance with ACMG guidelines (Richards et al., 2015)

Ambry Genetics
Classification: Uncertain significance for Inborn genetic diseases. Last evaluated: 2021-06-29. Review status: criteria provided, single submitter. Criteria: Ambry Variant Classification Scheme 2023. Collection method: clinical testing. Allele origin: germline.

NM_005412.6(SHMT2):c.1132G>C (p.Asp378His)

Gene: SHMT2 (serine hydroxymethyltransferase 2; plus strand). Cytogenetic location: 12q13.3.
Variant type: single nucleotide variant.
Coding change: c.1132G>C on transcript NM_005412.6 (MANE Select); coding-DNA position 1132, G replaced by C.
Protein change: p.Asp378His; replaces aspartic acid 378 with histidine.
Molecular consequence: missense variant. On other transcripts: non-coding transcript variant (4).
Genome position (GRCh38, 1-based): chr12:57,233,757, G>C. VCF-style: chr12-57233757-G-C. GRCh37 (hg19) VCF-style: chr12-57627540-G-C.
Other names: c.1102G>C, p.Asp368His (NM_001166356.2); c.1069G>C, p.Asp357His (NM_001166357.1, NM_001166358.2, NM_001166359.1); c.1132G>C (NM_005412.5); short protein forms D357H, D368H, D378H.
Identifiers: ClinVar variation 1706368 (VCV001706368.5), dbSNP rs763108760, ClinGen allele CA6646590.
Genomic context (GRCh38, chr12:57,233,757, plus strand): 5'-GCTTCAGGCAGAGGCCCAGGACTCACCACTCCCCATTTCTTACCCACCTTAGGTGGTACT[G>C]ACAACCACCTGGTGCTGGTGGACCTGCGGCCCAAGGGCCTGGATGGAGCTCGGGCTGAGC-3'
Protein context (NP_005403.2, residues 368-388): RGYSLVSGGT[Asp378His]NHLVLVDLRP